The following is an entry in ClinVar:

NM_000070.3(CAPN3):c.917C>T (p.Pro306Leu)

Gene: CAPN3 (calpain 3; plus strand). Cytogenetic location: 15q15.1.
Variant type: single nucleotide variant.
Coding change: c.917C>T on transcript NM_000070.3 (MANE Select); coding-DNA position 917, C replaced by T.
Protein change: p.Pro306Leu; replaces proline 306 with leucine.
Molecular consequence: missense variant. On other transcripts: intron variant (1).
Genome position (GRCh38, 1-based): chr15:42,390,068, C>T. VCF-style: chr15-42390068-C-T. GRCh37 (hg19) VCF-style: chr15-42682266-C-T.
Other names: c.917C>T, p.Pro306Leu (NM_024344.2); c.801+972C>T (NM_173087.2); short protein forms P306L.
Identifiers: ClinVar variation 1008672 (VCV001008672.7), dbSNP rs1192202929, ClinGen allele CA391998671.
Genomic context (GRCh38, chr15:42,390,068, plus strand): 5'-TGATTGCACGGATGGTAAGGAATATGGATAACTCACTGCTCCAGGACTCAGACCTCGACC[C>T]CAGAGGCTCAGATGAAAGACCGACCCGGGTGTGTACACCTCCGATTATCAGAACTGACCA-3'
Protein context (NP_000061.1, residues 296-316): NSLLQDSDLD[Pro306Leu]RGSDERPTRT

ClinVar aggregate classification (germline): Uncertain significance. Review status: criteria provided, single submitter (1 of 4 stars). 2 submissions from 2 submitters: Uncertain significance (1). 1 of the submissions does not count toward it. Last evaluated 2024-07-01.

Conditions:
Autosomal recessive limb-girdle muscular dystrophy type 2A (LGMDR1). Also called: Calpainopathy; MUSCULAR DYSTROPHY, PELVOFEMORAL; Limb-girdle muscular dystrophy, type 2A; LEYDEN-MOEBIUS MUSCULAR DYSTROPHY; Muscular dystrophy, limb-girdle, type 2A, Amish. Identifiers: Orphanet 267, MedGen C1869123, MONDO:0009675, OMIM 253600. Disease mechanism: loss of function.

Allele frequency attached by ClinVar (database versions not stated): gnomAD 0.00001; gnomAD exomes 0.00001 and 0.00002; TOPMed 0.00002.
gnomAD v4.1: 24 of 1,614,010 alleles (0.0015%); highest among the groups gnomAD compares: Non-Finnish European, 0.0019%; no homozygotes.

Submissions (2):

Labcorp Genetics (formerly Invitae), Labcorp
Classification: Uncertain significance for Autosomal recessive limb-girdle muscular dystrophy type 2A. Last evaluated: 2024-07-01. Review status: criteria provided, single submitter. Criteria: Invitae Variant Classification Sherloc (09022015). Collection method: clinical testing. Allele origin: germline.
Comment: This sequence change replaces proline, which is neutral and non-polar, with leucine, which is neutral and non-polar, at codon 306 of the CAPN3 protein (p.Pro306Leu). This variant is present in population databases (no rsID available, gnomAD 0.002%). This variant has not been reported in the literature in individuals affected with CAPN3-related conditions. ClinVar contains an entry for this variant (Variation ID: 1008672). Advanced modeling of protein sequence and biophysical properties (such as structural, functional, and spatial information, amino acid conservation, physicochemical variation, residue mobility, and thermodynamic stability) has been performed at Invitae for this missense variant, however the output from this modeling did not meet the statistical confidence thresholds required to predict the impact of this variant on CAPN3 protein function. In summary, the available evidence is currently insufficient to determine the role of this variant in disease. Therefore, it has been classified as a Variant of Uncertain Significance.

Natera, Inc.
Classification: Uncertain significance for Limb-girdle muscular dystrophy type 2A. Last evaluated: 2020-12-13. Review status: no assertion criteria provided. Collection method: clinical testing. Allele origin: germline. Not counted in ClinVar's aggregate classification.